The following is an entry in ClinVar:

ClinVar aggregate classification (germline): Uncertain significance (1 of 4 stars; one submission).

gnomAD v4.1: 47 of 1,613,688 alleles (0.0029%); highest among the groups gnomAD compares: Non-Finnish European, 0.0037%; no homozygotes.

Submission:

Labcorp Genetics (formerly Invitae), Labcorp
Classification: Uncertain significance. Last evaluated: 2024-02-08. Review status: criteria provided, single submitter. Criteria: Invitae Variant Classification Sherloc (09022015). Collection method: clinical testing. Allele origin: germline.
Comment: This sequence change replaces alanine, which is neutral and non-polar, with threonine, which is neutral and polar, at codon 102 of the SLC13A3 protein (p.Ala102Thr). This variant is present in population databases (rs373953053, gnomAD 0.01%). This variant has not been reported in the literature in individuals affected with SLC13A3-related conditions. Advanced modeling of protein sequence and biophysical properties (such as structural, functional, and spatial information, amino acid conservation, physicochemical variation, residue mobility, and thermodynamic stability) performed at Invitae indicates that this missense variant is not expected to disrupt SLC13A3 protein function with a negative predictive value of 80%. In summary, the available evidence is currently insufficient to determine the role of this variant in disease. Therefore, it has been classified as a Variant of Uncertain Significance.

NM_022829.6(SLC13A3):c.304G>A (p.Ala102Thr)

Gene: SLC13A3 (solute carrier family 13 member 3; minus strand). Cytogenetic location: 20q13.12.
Variant type: single nucleotide variant.
Coding change: c.304G>A on transcript NM_022829.6 (MANE Select); coding-DNA position 304, G replaced by A.
Protein change: p.Ala102Thr; replaces alanine 102 with threonine.
Molecular consequence: missense variant.
Genome position (GRCh38, 1-based): chr20:46,613,533, C>T on the plus strand (G>A on the coding strand, the complement: SLC13A3 is on the minus strand). VCF-style: chr20-46613533-C-T. GRCh37 (hg19) VCF-style: chr20-45242172-C-T.
Other names: c.163G>A, p.Ala55Thr (NM_001011554.3, NM_001193340.2); c.304G>A, p.Ala102Thr (NM_001193339.2); c.10G>A, p.Ala4Thr (NM_001193342.2); short protein forms A102T, A4T, A55T.
Identifiers: ClinVar variation 3619812 (VCV003619812.2).